The following is an entry in ClinVar:

NM_031924.8(RSPH3):c.480A>G (p.Ile160Met)

Gene: RSPH3 (radial spoke head 3; minus strand). Cytogenetic location: 6q25.3.
Variant type: single nucleotide variant.
Coding change: c.480A>G on transcript NM_031924.8 (MANE Select); coding-DNA position 480, A replaced by G.
Protein change: p.Ile160Met; replaces isoleucine 160 with methionine.
Molecular consequence: missense variant. On other transcripts: non-coding transcript variant (1), intron variant (1).
Genome position (GRCh38, 1-based): chr6:158,983,674, T>C on the plus strand (A>G on the coding strand, the complement: RSPH3 is on the minus strand). VCF-style: chr6-158983674-T-C. GRCh37 (hg19) VCF-style: chr6-159404706-T-C.
Other names: c.631-986A>G (NM_001346418.1); short protein forms I160M.
Identifiers: ClinVar variation 840371 (VCV000840371.6), dbSNP rs752268377, ClinGen allele CA4075899.

ClinVar aggregate classification (germline): Uncertain significance (1 of 4 stars; one submission).

Conditions:
Primary ciliary dyskinesia 32. Also called: CILIARY DYSKINESIA, PRIMARY, 32, WITHOUT SITUS INVERSUS. Identifiers: Orphanet 244, MedGen C4225311, MONDO:0014657, OMIM 616481.

Allele frequency attached by ClinVar (database versions not stated): gnomAD exomes 0.00002 and 0.00003; gnomAD 0.00005 and 0.00006; ExAC 0.00006; TOPMed 0.00006.
gnomAD v4.1: 32 of 1,613,198 alleles (0.002%); highest among the groups gnomAD compares: East Asian, 0.045%; no homozygotes.

Submission:

Labcorp Genetics (formerly Invitae), Labcorp
Classification: Uncertain significance for Primary ciliary dyskinesia 32. Last evaluated: 2021-08-27. Review status: criteria provided, single submitter. Criteria: Invitae Variant Classification Sherloc (09022015). Collection method: clinical testing. Allele origin: germline.
Comment: This sequence change replaces isoleucine with methionine at codon 302 of the RSPH3 protein (p.Ile302Met). The isoleucine residue is highly conserved and there is a small physicochemical difference between isoleucine and methionine. This variant is present in population databases (rs752268377, ExAC 0.08%). This variant has not been reported in the literature in individuals affected with RSPH3-related conditions. Algorithms developed to predict the effect of missense changes on protein structure and function are either unavailable or do not agree on the potential impact of this missense change (SIFT: "Deleterious"; PolyPhen-2: "Probably Damaging"; Align-GVGD: "Class C0"). In summary, the available evidence is currently insufficient to determine the role of this variant in disease. Therefore, it has been classified as a Variant of Uncertain Significance.